The following is an entry in ClinVar:

ClinVar aggregate classification (germline): Uncertain significance. Review status: criteria provided, multiple submitters, no conflicts (2 of 4 stars). 2 submissions from 2 submitters: Uncertain significance (2). Last evaluated 2024-06-14.

Allele frequency attached by ClinVar (database versions not stated): gnomAD exomes 0.00002; gnomAD 0.00003; ExAC 0.00011.
gnomAD v4.1: 36 of 1,490,976 alleles (0.0024%); highest among the groups gnomAD compares: Admixed American, 0.0057%; no homozygotes.

Submissions (2):

GeneDx
Classification: Uncertain significance. Last evaluated: 2024-06-14. Review status: criteria provided, single submitter. Criteria: GeneDx Variant Classification Process June 2021. Collection method: clinical testing. Allele origin: germline. Affected: yes.
Comment: In silico analysis indicates that this missense variant does not alter protein structure/function; Has not been previously published as pathogenic or benign to our knowledge

Labcorp Genetics (formerly Invitae), Labcorp
Classification: Uncertain significance. Last evaluated: 2021-09-02. Review status: criteria provided, single submitter. Criteria: Invitae Variant Classification Sherloc (09022015). Collection method: clinical testing. Allele origin: germline.
Comment: This sequence change replaces threonine with methionine at codon 1285 of the SBF1 protein (p.Thr1285Met). The threonine residue is weakly conserved and there is a moderate physicochemical difference between threonine and methionine. This variant is present in population databases (rs779092948, ExAC 0.02%). This variant has not been reported in the literature in individuals affected with SBF1-related conditions. Algorithms developed to predict the effect of missense changes on protein structure and function are either unavailable or do not agree on the potential impact of this missense change (SIFT: "Deleterious"; PolyPhen-2: "Benign"; Align-GVGD: "Class C0"). In summary, the available evidence is currently insufficient to determine the role of this variant in disease. Therefore, it has been classified as a Variant of Uncertain Significance.

NM_002972.4(SBF1):c.3854C>T (p.Thr1285Met)

Gene: SBF1 (SET binding factor 1; minus strand). Cytogenetic location: 22q13.33.
Variant type: single nucleotide variant.
Coding change: c.3854C>T on transcript NM_002972.4 (MANE Select); coding-DNA position 3854, C replaced by T.
Protein change: p.Thr1285Met; replaces threonine 1285 with methionine.
Molecular consequence: missense variant. On other transcripts: intron variant (1).
Genome position (GRCh38, 1-based): chr22:50,457,084, G>A on the plus strand (C>T on the coding strand, the complement: SBF1 is on the minus strand). VCF-style: chr22-50457084-G-A. GRCh37 (hg19) VCF-style: chr22-50895513-G-A.
Other names: c.3830-411C>T (NM_001365819.1); c.3854C>T (NM_002972.2); short protein forms T1285M.
Identifiers: ClinVar variation 1475312 (VCV001475312.6), dbSNP rs779092948, ClinGen allele CA10316521.